The following is an entry in ClinVar:

NM_020937.4(FANCM):c.482C>T (p.Pro161Leu)

Gene: FANCM (FA complementation group M; plus strand). Cytogenetic location: 14q21.2.
Variant type: single nucleotide variant.
Coding change: c.482C>T on transcript NM_020937.4 (MANE Select); coding-DNA position 482, C replaced by T.
Protein change: p.Pro161Leu; replaces proline 161 with leucine.
Molecular consequence: missense variant.
Genome position (GRCh38, 1-based): chr14:45,136,513, C>T. VCF-style: chr14-45136513-C-T. GRCh37 (hg19) VCF-style: chr14-45605716-C-T.
Other names: c.482C>T, p.Pro161Leu (NM_001308133.2, NM_001308134.2); short protein forms P161L.
Identifiers: ClinVar variation 3848794 (VCV003848794.1).

ClinVar aggregate classification (germline): Uncertain significance (1 of 4 stars; one submission).

Conditions:
Inborn genetic diseases. Identifiers: MedGen C0950123, MeSH D030342.

Submission:

Ambry Genetics
Classification: Uncertain significance for Inborn genetic diseases. Last evaluated: 2025-03-06. Review status: criteria provided, single submitter. Criteria: Ambry Variant Classification Scheme 2023. Collection method: clinical testing. Allele origin: germline.
Comment: The p.P161L variant (also known as c.482C>T), located in coding exon 1 of the FANCM gene, results from a C to T substitution at nucleotide position 482. The proline at codon 161 is replaced by leucine, an amino acid with similar properties. This amino acid position is conserved. In addition, this alteration is predicted to be tolerated by in silico analysis. Based on the available evidence, the clinical significance of this variant remains unclear.